The following is an entry in ClinVar:

NM_000052.7(ATP7A):c.1606G>C (p.Val536Leu)

Gene: ATP7A (ATPase copper transporting alpha; plus strand). Cytogenetic location: Xq21.1.
Variant type: single nucleotide variant.
Coding change: c.1606G>C on transcript NM_000052.7 (MANE Select); coding-DNA position 1606, G replaced by C.
Protein change: p.Val536Leu; replaces valine 536 with leucine.
Molecular consequence: missense variant.
Genome position (GRCh38, 1-based): chrX:78,003,135, G>C. VCF-style: chrX-78003135-G-C. GRCh37 (hg19) VCF-style: chrX-77258632-G-C.
Other names: c.1606G>C, p.Val536Leu (NM_001282224.2); short protein forms V536L.
Identifiers: ClinVar variation 2941122 (VCV002941122.3), dbSNP rs2522325542, ClinGen allele CA413595302.

ClinVar aggregate classification (germline): Uncertain significance (1 of 4 stars; one submission).

Conditions:
Menkes kinky-hair syndrome (MNK). Also called: Copper transport disease; Menkes Disease; Classic Menkes Disease. Identifiers: Orphanet 565, MedGen C0022716, MONDO:0010651, OMIM 309400.
Cutis laxa, X-linked (OHS). Also called: EDS IX; Occipital horn syndrome. Identifiers: Orphanet 198, MedGen C0268353, MONDO:0010572, OMIM 304150.
X-linked distal spinal muscular atrophy type 3. Also called: ATP7A-Related Distal Motor Neuropathy; SPINAL MUSCULAR ATROPHY, DISTAL, X-LINKED RECESSIVE; NEURONOPATHY, DISTAL HEREDITARY MOTOR, X-LINKED; NEUROPATHY, DISTAL HEREDITARY MOTOR, X-LINKED. Identifiers: Orphanet 139557, MedGen C1845359, MONDO:0010338, OMIM 300489.

Submission:

Labcorp Genetics (formerly Invitae), Labcorp
Classification: Uncertain significance for X-linked distal spinal muscular atrophy type 3; Cutis laxa, X-linked; Menkes kinky-hair syndrome. Last evaluated: 2023-09-15. Review status: criteria provided, single submitter. Criteria: Invitae Variant Classification Sherloc (09022015). Collection method: clinical testing. Allele origin: germline.
Comment: This variant is not present in population databases (gnomAD no frequency). This sequence change replaces valine, which is neutral and non-polar, with leucine, which is neutral and non-polar, at codon 536 of the ATP7A protein (p.Val536Leu). This variant has not been reported in the literature in individuals affected with ATP7A-related conditions. In summary, the available evidence is currently insufficient to determine the role of this variant in disease. Therefore, it has been classified as a Variant of Uncertain Significance. Advanced modeling of protein sequence and biophysical properties (such as structural, functional, and spatial information, amino acid conservation, physicochemical variation, residue mobility, and thermodynamic stability) performed at Invitae indicates that this missense variant is not expected to disrupt ATP7A protein function.